The following is an entry in ClinVar:

NM_015910.7(WDPCP):c.2010C>A (p.Asn670Lys)

Gene: WDPCP (WD repeat containing planar cell polarity effector; minus strand). Cytogenetic location: 2p15.
Variant type: single nucleotide variant.
Coding change: c.2010C>A on transcript NM_015910.7 (MANE Select); coding-DNA position 2010, C replaced by A.
Protein change: p.Asn670Lys; replaces asparagine 670 with lysine.
Molecular consequence: missense variant. On other transcripts: non-coding transcript variant (3).
Genome position (GRCh38, 1-based): chr2:63,174,738, G>T on the plus strand (C>A on the coding strand, the complement: WDPCP is on the minus strand). VCF-style: chr2-63174738-G-T. GRCh37 (hg19) VCF-style: chr2-63401873-G-T.
Other names: c.2010C>A (NM_015910.5); c.1533C>A, p.Asn511Lys (NM_001042692.3); c.1938C>A, p.Asn646Lys (NM_001354044.2); short protein forms N646K, N670K, N511K.
Identifiers: ClinVar variation 1390037 (VCV001390037.10), dbSNP rs1242470451, ClinGen allele CA347056554.

ClinVar aggregate classification (germline): Uncertain significance. Review status: criteria provided, multiple submitters, no conflicts (2 of 4 stars). 3 submissions from 3 submitters: Uncertain significance (3). Last evaluated 2024-07-02.

Conditions:
Bardet-Biedl syndrome (BBS). Identifiers: Orphanet 110, MedGen C0752166, MONDO:0015229.
Bardet-Biedl syndrome 15 (BBS15). Identifiers: Orphanet 110, MedGen C3150127, MONDO:0014443, OMIM 615992.
Heart defect - tongue hamartoma - polysyndactyly syndrome. Also called: Congenital heart defects, hamartomas of tongue, and polysyndactyly. Identifiers: Orphanet 1338, MedGen C1857587, MONDO:0009008, OMIM 217085.
Inborn genetic diseases. Identifiers: MedGen C0950123, MeSH D030342.

Allele frequency attached by ClinVar (database versions not stated): gnomAD exomes below 0.00001 and 0.00001; gnomAD 0.00001.
gnomAD v4.1: 3 of 1,613,834 alleles (0.00019%); highest among the groups gnomAD compares: Admixed American, 0.0033%; no homozygotes.

Submissions (3):

Ambry Genetics
Classification: Uncertain significance for Inborn genetic diseases. Last evaluated: 2024-07-02. Review status: criteria provided, single submitter. Criteria: Ambry Variant Classification Scheme 2023. Collection method: clinical testing. Allele origin: germline.

Fulgent Genetics
Classification: Uncertain significance for Heart defect - tongue hamartoma - polysyndactyly syndrome; Bardet-Biedl syndrome 15. Last evaluated: 2021-10-27. Review status: criteria provided, single submitter. Criteria: ACMG Guidelines, 2015. Collection method: clinical testing. Allele origin: unknown.

Labcorp Genetics (formerly Invitae), Labcorp
Classification: Uncertain significance for Bardet-Biedl syndrome. Last evaluated: 2021-04-27. Review status: criteria provided, single submitter. Criteria: Invitae Variant Classification Sherloc (09022015). Collection method: clinical testing. Allele origin: germline.
Comment: This sequence change replaces asparagine with lysine at codon 670 of the WDPCP protein (p.Asn670Lys). The asparagine residue is weakly conserved and there is a moderate physicochemical difference between asparagine and lysine. In summary, the available evidence is currently insufficient to determine the role of this variant in disease. Therefore, it has been classified as a Variant of Uncertain Significance. Algorithms developed to predict the effect of missense changes on protein structure and function output the following: SIFT: "Tolerated"; PolyPhen-2: "Benign"; Align-GVGD: "Class C0". The lysine amino acid residue is found in multiple mammalian species, suggesting that this missense change does not adversely affect protein function. These predictions have not been confirmed by published functional studies and their clinical significance is uncertain. This variant has not been reported in the literature in individuals with WDPCP-related conditions. This variant is not present in population databases (ExAC no frequency).